The following is an entry in ClinVar:

ClinVar aggregate classification (germline): Uncertain significance. Review status: criteria provided, multiple submitters, no conflicts (2 of 4 stars). 2 submissions from 2 submitters: Uncertain significance (2). Last evaluated 2025-06-03.

Conditions:
Inborn genetic diseases. Identifiers: MedGen C0950123, MeSH D030342.

Allele frequency attached by ClinVar (database versions not stated): gnomAD 0.00005 and 0.00006; ExAC 0.00003; ESP Exome Variant Server 0.00008; TOPMed 0.00009.
gnomAD v4.1: 14 of 1,613,692 alleles (0.00087%); highest among the groups gnomAD compares: African/African-American, 0.019%; no homozygotes.

Submissions (2):

Ambry Genetics
Classification: Uncertain significance for Inborn genetic diseases. Last evaluated: 2025-06-03. Review status: criteria provided, single submitter. Criteria: Ambry Variant Classification Scheme 2023. Collection method: clinical testing. Allele origin: germline.

Labcorp Genetics (formerly Invitae), Labcorp
Classification: Uncertain significance. Last evaluated: 2022-01-06. Review status: criteria provided, single submitter. Criteria: Invitae Variant Classification Sherloc (09022015). Collection method: clinical testing. Allele origin: germline.
Comment: This sequence change replaces serine, which is neutral and polar, with isoleucine, which is neutral and non-polar, at codon 69 of the SLC24A1 protein (p.Ser69Ile). This variant is present in population databases (rs376099955, gnomAD 0.04%). This variant has not been reported in the literature in individuals affected with SLC24A1-related conditions. ClinVar contains an entry for this variant (Variation ID: 1059751). Algorithms developed to predict the effect of missense changes on protein structure and function are either unavailable or do not agree on the potential impact of this missense change (SIFT: "Deleterious"; PolyPhen-2: "Possibly Damaging"; Align-GVGD: "Class C0"). In summary, the available evidence is currently insufficient to determine the role of this variant in disease. Therefore, it has been classified as a Variant of Uncertain Significance.

NM_004727.3(SLC24A1):c.206G>T (p.Ser69Ile)

Gene: SLC24A1 (solute carrier family 24 member 1; plus strand). Cytogenetic location: 15q22.31.
Variant type: single nucleotide variant.
Coding change: c.206G>T on transcript NM_004727.3 (MANE Select); coding-DNA position 206, G replaced by T.
Protein change: p.Ser69Ile; replaces serine 69 with isoleucine.
Molecular consequence: missense variant.
Genome position (GRCh38, 1-based): chr15:65,624,286, G>T. VCF-style: chr15-65624286-G-T. GRCh37 (hg19) VCF-style: chr15-65916624-G-T.
Other names: c.206G>T, p.Ser69Ile (NM_001301031.1, NM_001301032.1, NM_001301033.2); c.206G>T (NM_004727.2); short protein forms S69I.
Identifiers: ClinVar variation 1059751 (VCV001059751.5), dbSNP rs376099955, ClinGen allele CA7619709.